The following is an entry in ClinVar:

ClinVar aggregate classification (germline): Likely benign. Review status: reviewed by expert panel (3 of 4 stars). 3 submissions from 3 submitters: Likely benign (1). 2 of the submissions do not count toward it. Last evaluated 2024-09-10.

Conditions:
Hereditary thrombocytopenia and hematologic cancer predisposition syndrome. Identifiers: Orphanet 71290, MedGen CN281654, MONDO:0011071.
Hereditary thrombocytopenia and hematological cancer predisposition syndrome associated with RUNX1. Also called: RUNX1 Familial Platelet Disorder with Associated Myeloid Malignancies; Familial Platelet Disorder with Propensity to Acute Myelogenous Leukemia; Familial thrombocytopenia with propensity to acute myelogenous leukemia; PLATELET DISORDER, ASPIRIN-LIKE. Identifiers: Orphanet 71290, MedGen C1832388, MeSH C563324, MONDO:0100083, OMIM 601399.
Inborn genetic diseases. Identifiers: MedGen C0950123, MeSH D030342.

gnomAD v4.1: 1 of 1,470,132 alleles (0.000068%); highest among the groups gnomAD compares: Non-Finnish European, 0.000091%; no homozygotes.

Submissions (3):

ClinGen Myeloid Malignancy Variant Curation Expert Panel
Classification: Likely benign for Hereditary thrombocytopenia and hematologic cancer predisposition syndrome. Last evaluated: 2024-09-10. Review status: reviewed by expert panel. Criteria: ClinGen MyeloMalig ACMG Specifications v2. Collection method: curation. Allele origin: germline. Inheritance: Autosomal dominant inheritance.
Comment: NM_001754.5(RUNX1):c.1260C>T (p.Gly420=) is a synonymous variant which has a SpliceAI score ≤ 0.20 (0.01) (BP4). This variant has a SpliceAI score ≤ 0.20 (0.0) and evolutionary conservation algorithms predict the site as not being conserved (PhyloP score ≤ 2.0 (-1.00)) (BP7). This variant is completely absent from all population databases with at least 20x coverage for RUNX1 (PM2_Supporting). In summary, this variant meets criteria to be classified as likely benign. ACMG/AMP criteria applied, as specified by the Myeloid Malignancy Variant Curation Expert Panel for RUNX1: BP4, BP7, PM2_supporting.

Ambry Genetics
Classification: Likely benign for Inborn genetic diseases. Last evaluated: 2026-03-03. Review status: criteria provided, single submitter. Criteria: Ambry Variant Classification Scheme 2023. Collection method: clinical testing. Allele origin: germline. Not counted in ClinVar's aggregate classification.

Labcorp Genetics (formerly Invitae), Labcorp
Classification: Likely benign for Hereditary thrombocytopenia and hematological cancer predisposition syndrome associated with RUNX1. Last evaluated: 2021-03-18. Review status: criteria provided, single submitter. Criteria: Invitae Variant Classification Sherloc (09022015). Collection method: clinical testing. Allele origin: germline. Not counted in ClinVar's aggregate classification.

NM_001754.5(RUNX1):c.1260C>T (p.Gly420=)

Gene: RUNX1 (RUNX family transcription factor 1; minus strand). Cytogenetic location: 21q22.12.
Variant type: single nucleotide variant.
Coding change: c.1260C>T on transcript NM_001754.5 (MANE Select); coding-DNA position 1260, C replaced by T.
Protein change: p.Gly420=; no amino-acid change (glycine 420 retained).
Molecular consequence: synonymous variant.
Genome position (GRCh38, 1-based): chr21:34,792,318, G>A on the plus strand (C>T on the coding strand, the complement: RUNX1 is on the minus strand). VCF-style: chr21-34792318-G-A. GRCh37 (hg19) VCF-style: chr21-36164615-G-A.
Other names: NM_001754.5(RUNX1):c.1260C>T; p.Gly420=; c.1260C>T (NM_001754.4); c.1179C>T, p.Gly393= (NM_001001890.3).
Identifiers: ClinVar variation 1589425 (VCV001589425.10), dbSNP rs2145874515, ClinGen allele CA512341174.
Genomic context (GRCh38, chr21:34,792,318, plus strand): 5'-CGCGGAGCCGGTGGAGGCGTTGGTGCAGGGCGGCAGGATGCGCGGCGGCGAGCGCTCGCC[G>A]CCCACCATGGAGAACTGGTAGGAGCCGGCCGAGGCGCCGTAGTACAGGTGGTAGGAGGGC-3'
Protein context (NP_001745.2, residues 410-430): SAGSYQFSMV[Gly420=]GERSPPRILP